The following is an entry in ClinVar:

NM_181507.2(HPS5):c.220-58_220-57insAAA

Gene: HPS5 (HPS5 biogenesis of lysosomal organelles complex 2 subunit 2; minus strand). Cytogenetic location: 11p15.1.
Variant type: Insertion.
Coding change: c.220-58_220-57insAAA on transcript NM_181507.2 (MANE Select); 58 bases into the intron before coding-DNA position 220 through 57 bases into the intron before coding-DNA position 220, AAA inserted.
Molecular consequence: intron variant.
Genome position: GRCh38 VCF-style: chr11-18311508-A-ATTT. GRCh37 (hg19) VCF-style: chr11-18333055-A-ATTT.
Other names: c.-123-58_-123-57insAAA (NM_001440929.1, NM_181508.2, NM_001440921.1 and 10 more transcripts); c.109-58_109-57insAAA (NM_001440915.1, NM_001440914.1, NM_001440913.1); c.220-58_220-57insAAA (NM_001440931.1, NM_001440917.1, NM_001440906.1 and 6 more transcripts); c.145-58_145-57insAAA (NM_001440907.1, NM_001440909.1, NM_001440908.1); c.34-58_34-57insAAA (NM_001440918.1).
Identifiers: ClinVar variation 1707355 (VCV001707355.2), dbSNP rs778669578, ClinGen allele CA597459002.
Genomic context (GRCh38, chr11:18,311,508, plus strand): 5'-CTTCCTAGAGCACAAAAGAAAATACATTTTTTAAATCTCAAGTTTTACATTATTATTATT[A>ATTT]TTATTTTTTTTTTTTTTTTTGAGACTGAGTCTCGCTCTGTTGCCCAGGCTGGGGAGCAAT-3'

ClinVar aggregate classification (germline): Likely benign (1 of 4 stars; one submission).

Submission:

GeneDx
Classification: Likely benign. Last evaluated: 2021-05-17. Review status: criteria provided, single submitter. Criteria: GeneDx Variant Classification Process June 2021. Collection method: clinical testing. Allele origin: germline. Affected: yes.
Comment: See Variant Classification Assertion Criteria.